The following is an entry in ClinVar:

NM_001018113.3(FANCB):c.2239C>A (p.Leu747Ile)

Gene: FANCB (FA complementation group B; minus strand). Cytogenetic location: Xp22.2.
Variant type: single nucleotide variant.
Coding change: c.2239C>A on transcript NM_001018113.3 (MANE Select); coding-DNA position 2239, C replaced by A.
Protein change: p.Leu747Ile; replaces leucine 747 with isoleucine.
Molecular consequence: missense variant.
Genome position (GRCh38, 1-based): chrX:14,843,908, G>T on the plus strand (C>A on the coding strand, the complement: FANCB is on the minus strand). VCF-style: chrX-14843908-G-T. GRCh37 (hg19) VCF-style: chrX-14862030-G-T.
Other names: c.2239C>A, p.Leu747Ile (NM_001324162.2, NM_001410764.1, NM_152633.4); short protein forms L747I.
Identifiers: ClinVar variation 3771992 (VCV003771992.13).

ClinVar aggregate classification (germline): Likely benign (1 of 4 stars; one submission).

Submission:

CeGaT Center for Human Genetics Tuebingen
Classification: Likely benign. Last evaluated: 2024-12-01. Review status: criteria provided, single submitter. Criteria: CeGaT Center For Human Genetics Tuebingen Variant Classification Criteria Version 2. Collection method: clinical testing. Allele origin: germline. Affected: yes. Observed: 1 variant allele.
Comment: FANCB: PM2, BP4, BS2